The following is an entry in ClinVar:

ClinVar aggregate classification (germline): Pathogenic/Likely pathogenic. Review status: criteria provided, multiple submitters, no conflicts (2 of 4 stars). 3 submissions from 3 submitters: Pathogenic (1); Likely pathogenic (2). Last evaluated 2024-02-01.

Conditions:
Deficiency of guanidinoacetate methyltransferase (CCDS2). Also called: GAMT DEFICIENCY; Guanidinoacetate Methyltransferase (GAMT) Deficiency; CEREBRAL CREATINE DEFICIENCY SYNDROME 2. Identifiers: Orphanet 382, MedGen C0574080, MONDO:0012999, OMIM 612736.
Cerebral creatine deficiency syndrome. Also called: Creatine deficiency syndromes. Identifiers: Orphanet 79172, MedGen C5244016, MONDO:0000456.

Submissions (3):

Labcorp Genetics (formerly Invitae), Labcorp
Classification: Pathogenic for Cerebral creatine deficiency syndrome. Last evaluated: 2024-02-01. Review status: criteria provided, single submitter. Criteria: Invitae Variant Classification Sherloc (09022015). Collection method: clinical testing. Allele origin: germline.
Comment: This sequence change creates a premature translational stop signal (p.Leu159Cysfs*2) in the GAMT gene. It is expected to result in an absent or disrupted protein product. Loss-of-function variants in GAMT are known to be pathogenic (PMID: 15108290). This variant is not present in population databases (gnomAD no frequency). This variant has not been reported in the literature in individuals affected with GAMT-related conditions. ClinVar contains an entry for this variant (Variation ID: 1705080). For these reasons, this variant has been classified as Pathogenic.

Baylor Genetics
Classification: Likely pathogenic for Deficiency of guanidinoacetate methyltransferase. Last evaluated: 2022-09-20. Review status: criteria provided, single submitter. Criteria: ACMG Guidelines, 2015. Collection method: clinical testing. Allele origin: unknown.

Women's Health and Genetics/Laboratory Corporation of America, LabCorp
Classification: Likely pathogenic for Deficiency of guanidinoacetate methyltransferase. Last evaluated: 2022-08-12. Review status: criteria provided, single submitter. Criteria: LabCorp Variant Classification Summary - May 2015. Collection method: clinical testing. Allele origin: germline.
Comment: Variant summary: GAMT c.475delC (p.Leu159CysfsX2) results in a premature termination codon, predicted to cause a truncation of the encoded protein or absence of the protein due to nonsense mediated decay, which are commonly known mechanisms for disease. Truncations downstream of this position have been classified as pathogenic by our laboratory and is associated with Guanidinoacetate methyltransferase deficiency in HGMD. The variant was absent in 250800 control chromosomes (gnomAD). To our knowledge, no occurrence of c.475delC in individuals affected with Cerebral Creatine Deficiency Syndrome 2 and no experimental evidence demonstrating its impact on protein function have been reported. No clinical diagnostic laboratories have submitted clinical-significance assessments for this variant to ClinVar after 2014. Based on the evidence outlined above, the variant was classified as likely pathogenic.

Literature cited by the submitters: PubMed 15108290 (cited by Labcorp Genetics (formerly Invitae), Labcorp).

NM_000156.6(GAMT):c.475del (p.Leu159fs)

Gene: GAMT (guanidinoacetate N-methyltransferase; minus strand). Cytogenetic location: 19p13.3.
Variant type: Deletion.
Coding change: c.475del on transcript NM_000156.6 (MANE Select); coding-DNA position 475, one base deleted (C; older notation c.475delC).
Protein change: p.Leu159fs; shifts the reading frame from leucine 159.
Molecular consequence: frameshift variant.
Genome position (GRCh38, 1-based): chr19:1,399,011, G deleted on the plus strand (C on the coding strand, the reverse complement: GAMT is on the minus strand); the first of 2 consecutive G bases (chr19:1,399,011-1,399,012); deleting either gives the same sequence. VCF-style (leftmost placement, unchanged base first): chr19-1399010-AG-A. GRCh37 (hg19) VCF-style: chr19-1399009-AG-A.
Other names: c.475del, p.Leu159fs (NM_138924.3); short protein forms L159fs.
Identifiers: ClinVar variation 1705080 (VCV001705080.5), dbSNP rs2512224441, ClinGen allele CA2580096066.